The following is an entry in ClinVar:

ClinVar aggregate classification (germline): Likely benign (1 of 4 stars; one submission).

Allele frequency attached by ClinVar (database versions not stated): TOPMed 0.00013; ESP Exome Variant Server 0.00023; gnomAD 0.00036; gnomAD exomes 0.00070; ExAC 0.00133; 1000 Genomes Project 30x 0.00156; 1000 Genomes Project 0.00160.
gnomAD v4.1: 1,073 of 1,613,584 alleles (0.066%); highest among the groups gnomAD compares: South Asian, 0.98%; 24 homozygotes.

Submission:

CeGaT Center for Human Genetics Tuebingen
Classification: Likely benign. Last evaluated: 2023-02-01. Review status: criteria provided, single submitter. Criteria: CeGaT Center For Human Genetics Tuebingen Variant Classification Criteria Version 2. Collection method: clinical testing. Allele origin: germline. Affected: yes. Observed: 1 variant allele.
Comment: NUP88: BP4, BS2

NM_002532.6(NUP88):c.1933C>T (p.His645Tyr)

Gene: NUP88 (nucleoporin 88; minus strand). Cytogenetic location: 17p13.2.
Variant type: single nucleotide variant.
Coding change: c.1933C>T on transcript NM_002532.6 (MANE Select); coding-DNA position 1933, C replaced by T.
Protein change: p.His645Tyr; replaces histidine 645 with tyrosine.
Molecular consequence: missense variant.
Genome position (GRCh38, 1-based): chr17:5,387,094, G>A on the plus strand (C>T on the coding strand, the complement: NUP88 is on the minus strand). VCF-style: chr17-5387094-G-A. GRCh37 (hg19) VCF-style: chr17-5290414-G-A.
Other names: c.1981C>T, p.His661Tyr (NM_001320653.2); short protein forms H645Y, H661Y.
Identifiers: ClinVar variation 2647297 (VCV002647297.24), dbSNP rs61756117, ClinGen allele CA8324027.